The following is an entry in ClinVar:

ClinVar aggregate classification (germline): Uncertain significance (1 of 4 stars; one submission).

Conditions:
Inborn genetic diseases. Identifiers: MedGen C0950123, MeSH D030342.

Submission:

Ambry Genetics
Classification: Uncertain significance for Inborn genetic diseases. Last evaluated: 2025-10-29. Review status: criteria provided, single submitter. Criteria: Ambry Variant Classification Scheme 2023. Collection method: clinical testing. Allele origin: germline.
Comment: The p.L334V variant (also known as c.1000C>G), located in coding exon 11 of the RTEL1 gene, results from a C to G substitution at nucleotide position 1000. The leucine at codon 334 is replaced by valine, an amino acid with highly similar properties. This amino acid position is conserved. In addition, the in silico prediction for this alteration is inconclusive. Based on the available evidence, the clinical significance of this variant remains unclear.

NM_001283009.2(RTEL1):c.1000C>G (p.Leu334Val)

Genes: RTEL1 (regulator of telomere elongation helicase 1; plus strand), RTEL1-TNFRSF6B (RTEL1-TNFRSF6B readthrough (NMD candidate); plus strand). Cytogenetic location: 20q13.33.
Variant type: single nucleotide variant.
Coding change: c.1000C>G on transcript NM_001283009.2 (MANE Select); coding-DNA position 1000, C replaced by G.
Protein change: p.Leu334Val; replaces leucine 334 with valine.
Molecular consequence: missense variant. On other transcripts: non-coding transcript variant (1).
Genome position (GRCh38, 1-based): chr20:63,678,309, C>G. VCF-style: chr20-63678309-C-G. GRCh37 (hg19) VCF-style: chr20-62309662-C-G.
Other names: c.331C>G, p.Leu111Val (NM_001283010.1); c.1000C>G, p.Leu334Val (NM_016434.4); c.1072C>G, p.Leu358Val (NM_032957.5); short protein forms L358V, L334V, L111V.
Identifiers: ClinVar variation 4629580 (VCV004629580.1).